The following is an entry in ClinVar:

ClinVar aggregate classification (germline): Uncertain significance. Review status: criteria provided, multiple submitters, no conflicts (2 of 4 stars). 2 submissions from 2 submitters: Uncertain significance (2). Last evaluated 2025-05-12.

Submissions (2):

GeneDx
Classification: Uncertain significance. Last evaluated: 2025-05-12. Review status: criteria provided, single submitter. Criteria: GeneDx Variant Classification Process June 2021. Collection method: clinical testing. Allele origin: germline. Affected: yes.
Comment: Not observed at significant frequency in large population cohorts (gnomAD); In silico analysis supports that this missense variant has a deleterious effect on protein structure/function; Has not been previously published as pathogenic or benign to our knowledge

Athena Diagnostics
Classification: Uncertain significance. Last evaluated: 2024-05-03. Review status: criteria provided, single submitter. Criteria: Athena Diagnostics Criteria. Collection method: clinical testing. Allele origin: unknown.

NM_006946.4(SPTBN2):c.2620T>C (p.Trp874Arg)

Gene: SPTBN2 (spectrin beta, non-erythrocytic 2; minus strand). Cytogenetic location: 11q13.2.
Variant type: single nucleotide variant.
Coding change: c.2620T>C on transcript NM_006946.4 (MANE Select); coding-DNA position 2620, T replaced by C.
Protein change: p.Trp874Arg; replaces tryptophan 874 with arginine.
Molecular consequence: missense variant.
Genome position (GRCh38, 1-based): chr11:66,704,656, A>G on the plus strand (T>C on the coding strand, the complement: SPTBN2 is on the minus strand). VCF-style: chr11-66704656-A-G. GRCh37 (hg19) VCF-style: chr11-66472127-A-G.
Other names: c.2641T>C, p.Trp881Arg (NM_001411025.1); short protein forms W874R, W881R.
Identifiers: ClinVar variation 1806925 (VCV001806925.3), dbSNP rs2496263743, ClinGen allele CA381477379.